The following is an entry in ClinVar:

ClinVar aggregate classification (germline): Pathogenic (1 of 4 stars; one submission).

Conditions:
Inborn genetic diseases. Identifiers: MedGen C0950123, MeSH D030342.
Juvenile nephropathic cystinosis. Also called: Intermediate Cystinosis; CYSTINOSIS, LATE-ONSET JUVENILE OR ADOLESCENT NEPHROPATHIC TYPE; Later-Onset (Juvenile) Cystinosis. Identifiers: Orphanet 213, Orphanet 411634, MedGen C0268626, MONDO:0009066, OMIM 219900.
Ocular cystinosis. Also called: Non-Nephropathic Cystinosis; Non-Nephropathic (Ocular) Cystinosis. Identifiers: Orphanet 213, Orphanet 411641, MedGen C2931013, MONDO:0009064, OMIM 219750.

Submission:

Labcorp Genetics (formerly Invitae), Labcorp
Classification: Pathogenic for Inborn genetic diseases; Ocular cystinosis; Juvenile nephropathic cystinosis. Last evaluated: 2022-06-23. Review status: criteria provided, single submitter. Criteria: Invitae Variant Classification Sherloc (09022015). Collection method: clinical testing. Allele origin: germline.
Comment: For these reasons, this variant has been classified as Pathogenic. This sequence change creates a premature translational stop signal (p.Pro29Serfs*30) in the CTNS gene. It is expected to result in an absent or disrupted protein product. Loss-of-function variants in CTNS are known to be pathogenic (PMID: 9537412, 27102039). This variant is not present in population databases (gnomAD no frequency). This variant has not been reported in the literature in individuals affected with CTNS-related conditions.

Literature cited by the submitters: PubMed 9537412; PubMed 27102039.

NM_004937.3(CTNS):c.85_86del (p.Pro29fs)

Gene: CTNS (cystinosin, lysosomal cystine transporter; plus strand). Cytogenetic location: 17p13.2.
Variant type: Deletion.
Coding change: c.85_86del on transcript NM_004937.3 (MANE Select); coding-DNA positions 85 to 86, 2 bases deleted (CC; older notation c.85_86delCC).
Protein change: p.Pro29fs; shifts the reading frame from proline 29.
Molecular consequence: frameshift variant. On other transcripts: 5 prime UTR variant (3), intron variant (1).
Genome position (GRCh38, 1-based): chr17:3,647,467-3,647,468, CC deleted. VCF-style (leftmost placement, unchanged base first): chr17-3647466-TCC-T. GRCh37 (hg19) VCF-style: chr17-3550760-TCC-T.
Other names: c.85_86del, p.Pro29fs (NM_001031681.3, NM_001374492.1); c.-272_-271del (NM_001374493.1, NM_001374496.1); c.-357_-356del (NM_001374494.1); c.-217+7200_-217+7201del (NM_001374495.1); short protein forms P29fs.
Identifiers: ClinVar variation 2009652 (VCV002009652.4), dbSNP rs2507686230, ClinGen allele CA2580093506.